The following is an entry in ClinVar:

NM_006514.4(SCN10A):c.5342A>G (p.Asn1781Ser)

Gene: SCN10A (sodium voltage-gated channel alpha subunit 10; minus strand). Cytogenetic location: 3p22.2.
Variant type: single nucleotide variant.
Coding change: c.5342A>G on transcript NM_006514.4 (MANE Select); coding-DNA position 5342, A replaced by G.
Protein change: p.Asn1781Ser; replaces asparagine 1781 with serine.
Molecular consequence: missense variant.
Genome position (GRCh38, 1-based): chr3:38,697,878, T>C on the plus strand (A>G on the coding strand, the complement: SCN10A is on the minus strand). VCF-style: chr3-38697878-T-C. GRCh37 (hg19) VCF-style: chr3-38739369-T-C.
Other names: c.5339A>G, p.Asn1780Ser (NM_001293306.2); c.5048A>G, p.Asn1683Ser (NM_001293307.2); short protein forms N1781S, N1683S, N1780S.
Identifiers: ClinVar variation 532095 (VCV000532095.9), dbSNP rs372368062, ClinGen allele CA2319690.

ClinVar aggregate classification (germline): Conflicting classifications of pathogenicity. Review status: criteria provided, conflicting classifications (1 of 4 stars). 3 submissions from 3 submitters: Uncertain significance (2); Likely benign (1). Last evaluated 2025-05-18.

Conditions:
Cardiovascular phenotype. Identifiers: MedGen CN230736.
Brugada syndrome. Also called: Sudden Unexplained Death Syndrome; Sudden Unexplained Nocturnal Death Syndrome (SUNDS); Sudden unexplained nocturnal death syndrome; Sudden unexpected nocturnal death syndrome. Identifiers: Orphanet 130, MedGen C1142166, MONDO:0015263.

Allele frequency attached by ClinVar (database versions not stated): TOPMed 0.00006; ESP Exome Variant Server 0.00008.
gnomAD v4.1: 68 of 1,613,848 alleles (0.0042%); highest among the groups gnomAD compares: South Asian, 0.023%; 1 homozygote.

Submissions (3):

Labcorp Genetics (formerly Invitae), Labcorp
Classification: Uncertain significance for Brugada syndrome. Last evaluated: 2025-05-18. Review status: criteria provided, single submitter. Criteria: Invitae Variant Classification Sherloc (09022015). Collection method: clinical testing. Allele origin: germline.
Comment: This sequence change replaces asparagine, which is neutral and polar, with serine, which is neutral and polar, at codon 1781 of the SCN10A protein (p.Asn1781Ser). This variant is present in population databases (rs372368062, gnomAD 0.03%). This variant has not been reported in the literature in individuals affected with SCN10A-related conditions. ClinVar contains an entry for this variant (Variation ID: 532095). Invitae Evidence Modeling of protein sequence and biophysical properties (such as structural, functional, and spatial information, amino acid conservation, physicochemical variation, residue mobility, and thermodynamic stability) indicates that this missense variant is expected to disrupt SCN10A protein function with a positive predictive value of 80%. In summary, the available evidence is currently insufficient to determine the role of this variant in disease. Therefore, it has been classified as a Variant of Uncertain Significance.

GeneDx
Classification: Uncertain significance. Last evaluated: 2024-12-05. Review status: criteria provided, single submitter. Criteria: GeneDx Variant Classification Process June 2021. Collection method: clinical testing. Allele origin: germline. Affected: yes.
Comment: In silico analysis supports that this missense variant has a deleterious effect on protein structure/function; Has not been previously published as pathogenic or benign to our knowledge; This variant is associated with the following publications: (PMID: 38757491)

Ambry Genetics
Classification: Likely benign for Cardiovascular phenotype. Last evaluated: 2020-10-14. Review status: criteria provided, single submitter. Criteria: Ambry Variant Classification Scheme 2023. Collection method: clinical testing. Allele origin: germline.